The following is an entry in ClinVar:

NM_001365536.1(SCN9A):c.3802-3T>C

Genes: SCN9A (sodium voltage-gated channel alpha subunit 9; minus strand), SCN1A-AS1 (SCN1A and SCN9A antisense RNA 1; plus strand). Cytogenetic location: 2q24.3.
Variant type: single nucleotide variant.
Coding change: c.3802-3T>C on transcript NM_001365536.1 (MANE Select); 3 bases into the intron before coding-DNA position 3802, T replaced by C.
Molecular consequence: intron variant.
Genome position (GRCh38, 1-based): chr2:166,233,465, A>G on the plus strand (T>C on the coding strand, the complement: SCN9A is on the minus strand). VCF-style: chr2-166233465-A-G. GRCh37 (hg19) VCF-style: chr2-167089975-A-G.
Other names: c.3769-3T>C (NM_002977.4).
Identifiers: ClinVar variation 859349 (VCV000859349.10), dbSNP rs375571381, ClinGen allele CA1943994.

ClinVar aggregate classification (germline): Uncertain significance (1 of 4 stars; one submission).

Conditions:
Neuropathy, hereditary sensory and autonomic, type 2A (HSAN2A). Also called: HSAN IIA; MORVAN DISEASE; NEUROPATHY, CONGENITAL SENSORY; NEUROPATHY, HEREDITARY SENSORY RADICULAR, AUTOSOMAL RECESSIVE; NEUROPATHY, HEREDITARY SENSORY, TYPE IIA; NEUROPATHY, PROGRESSIVE SENSORY, OF CHILDREN. Identifiers: Orphanet 970, MedGen C2752089, MONDO:0024309, OMIM 201300.
Generalized epilepsy with febrile seizures plus, type 7 (GEFSP7). Also called: GEFS+, TYPE 7. Identifiers: Orphanet 36387, MedGen C2751778, MONDO:0013470, OMIM 613863.

Allele frequency attached by ClinVar (database versions not stated): gnomAD 0.00001; gnomAD exomes 0.00001 and 0.00002; TOPMed 0.00001; ExAC 0.00003; ESP Exome Variant Server 0.00008.
gnomAD v4.1: 12 of 1,562,158 alleles (0.00077%); highest among the groups gnomAD compares: Middle Eastern, 0.017%; no homozygotes.

Submission:

Labcorp Genetics (formerly Invitae), Labcorp
Classification: Uncertain significance for Neuropathy, hereditary sensory and autonomic, type 2A; Generalized epilepsy with febrile seizures plus, type 7. Last evaluated: 2025-02-17. Review status: criteria provided, single submitter. Criteria: Invitae Variant Classification Sherloc (09022015). Collection method: clinical testing. Allele origin: germline.
Comment: This sequence change falls in intron 20 of the SCN9A gene. It does not directly change the encoded amino acid sequence of the SCN9A protein. It affects a nucleotide within the consensus splice site. This variant is present in population databases (rs375571381, gnomAD 0.01%). This variant has not been reported in the literature in individuals affected with SCN9A-related conditions. ClinVar contains an entry for this variant (Variation ID: 859349). Variants that disrupt the consensus splice site are a relatively common cause of aberrant splicing (PMID: 17576681, 9536098). Algorithms developed to predict the effect of sequence changes on RNA splicing suggest that this variant is not likely to affect RNA splicing. In summary, the available evidence is currently insufficient to determine the role of this variant in disease. Therefore, it has been classified as a Variant of Uncertain Significance.

Literature cited by the submitters: PubMed 17576681; PubMed 9536098.